The following is an entry in ClinVar:

NM_021008.4(DEAF1):c.173G>A (p.Arg58Gln)

Gene: DEAF1 (DEAF1 transcription factor; minus strand). Cytogenetic location: 11p15.5.
Variant type: single nucleotide variant.
Coding change: c.173G>A on transcript NM_021008.4 (MANE Select); coding-DNA position 173, G replaced by A.
Protein change: p.Arg58Gln; replaces arginine 58 with glutamine.
Molecular consequence: missense variant. On other transcripts: intron variant (1).
Genome position (GRCh38, 1-based): chr11:694,875, C>T on the plus strand (G>A on the coding strand, the complement: DEAF1 is on the minus strand). VCF-style: chr11-694875-C-T. GRCh37 (hg19) VCF-style: chr11-694875-C-T.
Other names: c.173G>A, p.Arg58Gln (NM_001293634.2); c.-437-3277G>A (NM_001367390.1); short protein forms R58Q.
Identifiers: ClinVar variation 2836683 (VCV002836683.3), dbSNP rs2494504587, ClinGen allele CA378939571.

ClinVar aggregate classification (germline): Uncertain significance (1 of 4 stars; one submission).

gnomAD v4.1: 3 of 1,501,268 alleles (0.0002%); highest among the groups gnomAD compares: Non-Finnish European, 0.00027%; no homozygotes.

Submission:

Labcorp Genetics (formerly Invitae), Labcorp
Classification: Uncertain significance. Last evaluated: 2024-10-23. Review status: criteria provided, single submitter. Criteria: Invitae Variant Classification Sherloc (09022015). Collection method: clinical testing. Allele origin: germline.
Comment: This sequence change replaces arginine, which is basic and polar, with glutamine, which is neutral and polar, at codon 58 of the DEAF1 protein (p.Arg58Gln). This variant is not present in population databases (gnomAD no frequency). This variant has not been reported in the literature in individuals affected with DEAF1-related conditions. Invitae Evidence Modeling of protein sequence and biophysical properties (such as structural, functional, and spatial information, amino acid conservation, physicochemical variation, residue mobility, and thermodynamic stability) indicates that this missense variant is not expected to disrupt DEAF1 protein function with a negative predictive value of 80%. In summary, the available evidence is currently insufficient to determine the role of this variant in disease. Therefore, it has been classified as a Variant of Uncertain Significance.